The following is an entry in ClinVar:

NM_001458.5(FLNC):c.7618G>C (p.Val2540Leu)

Genes: FLNC (filamin C; plus strand), FLNC-AS1 (FLNC antisense RNA 1; minus strand). Cytogenetic location: 7q32.1.
Variant type: single nucleotide variant.
Coding change: c.7618G>C on transcript NM_001458.5 (MANE Select); coding-DNA position 7618, G replaced by C.
Protein change: p.Val2540Leu; replaces valine 2540 with leucine.
Molecular consequence: missense variant.
Genome position (GRCh38, 1-based): chr7:128,857,174, G>C. VCF-style: chr7-128857174-G-C. GRCh37 (hg19) VCF-style: chr7-128497228-G-C.
Other names: c.7519G>C, p.Val2507Leu (NM_001127487.2); short protein forms V2540L, V2507L.
Identifiers: ClinVar variation 539429 (VCV000539429.54), dbSNP rs746349463, ClinGen allele CA4476328.

ClinVar aggregate classification (germline): Uncertain significance. Review status: criteria provided, multiple submitters, no conflicts (2 of 4 stars). 5 submissions from 5 submitters: Uncertain significance (5). Last evaluated 2026-09-21.

Conditions:
Myofibrillar myopathy 5. Also called: Filaminopathy (type); FILAMINOPATHY, AUTOSOMAL DOMINANT. Identifiers: Orphanet 171445, MedGen C1836050, MONDO:0012289, OMIM 609524.
Distal myopathy with posterior leg and anterior hand involvement. Also called: WILLIAMS DISTAL MYOPATHY. Identifiers: Orphanet 63273, MedGen C3279722, MONDO:0013550, OMIM 614065.
Hypertrophic cardiomyopathy 26. Also called: Cardiomyopathy, familial hypertrophic, 26. Identifiers: Orphanet 75249, MedGen C4310749, MONDO:0014883, OMIM 617047.
Cardiovascular phenotype. Identifiers: MedGen CN230736.

Allele frequency attached by ClinVar (database versions not stated): ExAC 0.00003; gnomAD exomes 0.00003; TOPMed 0.00003; gnomAD 0.00004.
gnomAD v4.1: 55 of 1,614,000 alleles (0.0034%); highest among the groups gnomAD compares: Non-Finnish European, 0.0046%; no homozygotes.

Submissions (5):

Molecular Diagnostic Laboratory for Inherited Cardiovascular Disease, Montreal Heart Institute
Classification: Uncertain significance for Cardiovascular phenotype. Last evaluated: 2026-09-21. Review status: criteria provided, single submitter. Criteria: ACMG Guidelines, 2015. Collection method: clinical testing. Allele origin: germline. Affected: yes.

Labcorp Genetics (formerly Invitae), Labcorp
Classification: Uncertain significance for Distal myopathy with posterior leg and anterior hand involvement; Myofibrillar myopathy 5; Hypertrophic cardiomyopathy 26. Last evaluated: 2025-12-16. Review status: criteria provided, single submitter. Criteria: Invitae Variant Classification Sherloc (09022015). Collection method: clinical testing. Allele origin: germline.
Comment: This sequence change replaces valine, which is neutral and non-polar, with leucine, which is neutral and non-polar, at codon 2540 of the FLNC protein (p.Val2540Leu). This variant is present in population databases (rs746349463, gnomAD 0.008%). This missense change has been observed in individual(s) with hypertrophic cardiomyopathy (internal data). ClinVar contains an entry for this variant (Variation ID: 539429). Invitae Evidence Modeling of protein sequence and biophysical properties (such as structural, functional, and spatial information, amino acid conservation, physicochemical variation, residue mobility, and thermodynamic stability) indicates that this missense variant is not expected to disrupt FLNC protein function with a negative predictive value of 95%. In summary, the available evidence is currently insufficient to determine the role of this variant in disease. Therefore, it has been classified as a Variant of Uncertain Significance.

Ambry Genetics
Classification: Uncertain significance for Cardiovascular phenotype. Last evaluated: 2024-02-23. Review status: criteria provided, single submitter. Criteria: Ambry Variant Classification Scheme 2023. Collection method: clinical testing. Allele origin: germline.
Comment: The p.V2540L variant (also known as c.7618G>C), located in coding exon 46 of the FLNC gene, results from a G to C substitution at nucleotide position 7618. The valine at codon 2540 is replaced by leucine, an amino acid with highly similar properties. This amino acid position is conserved. In addition, the in silico prediction for this alteration is inconclusive. Since supporting evidence is limited at this time, the clinical significance of this alteration remains unclear.

CeGaT Center for Human Genetics Tuebingen
Classification: Uncertain significance. Last evaluated: 2023-05-01. Review status: criteria provided, single submitter. Criteria: CeGaT Center For Human Genetics Tuebingen Variant Classification Criteria Version 2. Collection method: clinical testing. Allele origin: germline. Affected: yes. Observed: 1 variant allele.
Comment: FLNC: PM2:Supporting, PP3

Revvity Omics, Revvity
Classification: Uncertain significance. Last evaluated: 2022-01-28. Review status: criteria provided, single submitter. Criteria: ACMG Guidelines, 2015. Collection method: clinical testing. Allele origin: germline.